The following is an entry in ClinVar:

ClinVar aggregate classification (germline): Uncertain significance. Review status: criteria provided, multiple submitters, no conflicts (2 of 4 stars). 5 submissions from 5 submitters: Uncertain significance (4). 1 of the submissions does not count toward it. Last evaluated 2025-08-05.

Conditions:
Inborn genetic diseases. Identifiers: MedGen C0950123, MeSH D030342.
Autosomal recessive limb-girdle muscular dystrophy type 2C (LGMDR5). Also called: MUSCULAR DYSTROPHY, LIMB-GIRDLE, AUTOSOMAL RECESSIVE 5; MUSCULAR DYSTROPHY, DUCHENNE-LIKE. Identifiers: Orphanet 353, MedGen C0410173, MONDO:0009677, OMIM 253700. Disease mechanism: Affects gamma-sarcoglycan and also disrupts the integrity of the entire sarcoglycan complex..

Allele frequency attached by ClinVar (database versions not stated): gnomAD exomes 0.00002 and 0.00006; TOPMed 0.00002; gnomAD 0.00006.
gnomAD v4.1: 100 of 1,589,748 alleles (0.0063%); highest among the groups gnomAD compares: Non-Finnish European, 0.0079%; no homozygotes.

Submissions (5):

Ambry Genetics
Classification: Uncertain significance for Inborn genetic diseases. Last evaluated: 2025-08-05. Review status: criteria provided, single submitter. Criteria: Ambry Variant Classification Scheme 2023. Collection method: clinical testing. Allele origin: germline.

Labcorp Genetics (formerly Invitae), Labcorp
Classification: Uncertain significance for Autosomal recessive limb-girdle muscular dystrophy type 2C. Last evaluated: 2022-08-09. Review status: criteria provided, single submitter. Criteria: Invitae Variant Classification Sherloc (09022015). Collection method: clinical testing. Allele origin: germline.
Comment: This sequence change replaces serine, which is neutral and polar, with leucine, which is neutral and non-polar, at codon 101 of the SGCG protein (p.Ser101Leu). This variant is present in population databases (no rsID available, gnomAD 0.006%). This variant has not been reported in the literature in individuals affected with SGCG-related conditions. ClinVar contains an entry for this variant (Variation ID: 282290). Algorithms developed to predict the effect of missense changes on protein structure and function are either unavailable or do not agree on the potential impact of this missense change (SIFT: "Deleterious"; PolyPhen-2: "Benign"; Align-GVGD: "Class C15"). In summary, the available evidence is currently insufficient to determine the role of this variant in disease. Therefore, it has been classified as a Variant of Uncertain Significance.

Revvity Omics, Revvity
Classification: Uncertain significance for Autosomal recessive limb-girdle muscular dystrophy type 2C. Last evaluated: 2020-04-04. Review status: criteria provided, single submitter. Criteria: ACMG Guidelines, 2015. Collection method: clinical testing. Allele origin: germline.

Eurofins Ntd Llc (ga)
Classification: Uncertain significance. Last evaluated: 2015-08-07. Review status: criteria provided, single submitter. Criteria: EGL Classification Definitions 2015. Collection method: clinical testing. Allele origin: germline. Observed: 2 variant alleles, 2 heterozygotes.

Natera, Inc.
Classification: Uncertain significance for Limb-girdle muscular dystrophy type 2C. Last evaluated: 2019-11-11. Review status: no assertion criteria provided. Collection method: clinical testing. Allele origin: germline. Not counted in ClinVar's aggregate classification.

NM_000231.3(SGCG):c.302C>T (p.Ser101Leu)

Gene: SGCG (sarcoglycan gamma; plus strand). Cytogenetic location: 13q12.12.
Variant type: single nucleotide variant.
Coding change: c.302C>T on transcript NM_000231.3 (MANE Select); coding-DNA position 302, C replaced by T.
Protein change: p.Ser101Leu; replaces serine 101 with leucine.
Molecular consequence: missense variant.
Genome position (GRCh38, 1-based): chr13:23,250,634, C>T. VCF-style: chr13-23250634-C-T. GRCh37 (hg19) VCF-style: chr13-23824773-C-T.
Other names: c.356C>T, p.Ser119Leu (NM_001378244.1); c.302C>T, p.Ser101Leu (NM_001378245.1, NM_001378246.1); short protein forms S101L, S119L.
Identifiers: ClinVar variation 282290 (VCV000282290.18), dbSNP rs886042370, ClinGen allele CA10604135.